The following is an entry in ClinVar:

ClinVar aggregate classification (germline): Uncertain significance (1 of 4 stars; one submission).

Allele frequency attached by ClinVar (database versions not stated): gnomAD exomes below 0.00001; TOPMed below 0.00001.
gnomAD v4.1: 1 of 1,613,554 alleles (0.000062%); highest among the groups gnomAD compares: East Asian, 0.0022%; no homozygotes.

Submission:

Labcorp Genetics (formerly Invitae), Labcorp
Classification: Uncertain significance. Last evaluated: 2023-10-07. Review status: criteria provided, single submitter. Criteria: Invitae Variant Classification Sherloc (09022015). Collection method: clinical testing. Allele origin: germline.
Comment: This sequence change replaces phenylalanine, which is neutral and non-polar, with isoleucine, which is neutral and non-polar, at codon 326 of the NEDD4L protein (p.Phe326Ile). This variant is present in population databases (no rsID available, gnomAD 0.006%). This variant has not been reported in the literature in individuals affected with NEDD4L-related conditions. An algorithm developed to predict the effect of missense changes on protein structure and function (PolyPhen-2) suggests that this variant is likely to be tolerated. In summary, the available evidence is currently insufficient to determine the role of this variant in disease. Therefore, it has been classified as a Variant of Uncertain Significance.

NM_001144967.3(NEDD4L):c.976T>A (p.Phe326Ile)

Gene: NEDD4L (NEDD4 like E3 ubiquitin protein ligase; plus strand). Cytogenetic location: 18q21.31.
Variant type: single nucleotide variant.
Coding change: c.976T>A on transcript NM_001144967.3 (MANE Select); coding-DNA position 976, T replaced by A.
Protein change: p.Phe326Ile; replaces phenylalanine 326 with isoleucine.
Molecular consequence: missense variant.
Genome position (GRCh38, 1-based): chr18:58,330,900, T>A. VCF-style: chr18-58330900-T-A. GRCh37 (hg19) VCF-style: chr18-55998132-T-A.
Other names: c.613T>A, p.Phe205Ile (NM_001144964.1, NM_001144965.2, NM_001144966.3 and 2 more transcripts); c.952T>A, p.Phe318Ile (NM_001144968.2, NM_001144969.2); c.976T>A, p.Phe326Ile (NM_001243960.2, NM_015277.6); short protein forms F205I, F318I, F326I.
Identifiers: ClinVar variation 2751068 (VCV002751068.3), dbSNP rs1489484267, ClinGen allele CA402555989.